The following is an entry in ClinVar:

NM_032237.5(POMK):c.334A>G (p.Ser112Gly)

Gene: POMK (protein O-mannose kinase; plus strand). Cytogenetic location: 8p11.21.
Variant type: single nucleotide variant.
Coding change: c.334A>G on transcript NM_032237.5 (MANE Select); coding-DNA position 334, A replaced by G.
Protein change: p.Ser112Gly; replaces serine 112 with glycine.
Molecular consequence: missense variant.
Genome position (GRCh38, 1-based): chr8:43,122,158, A>G. VCF-style: chr8-43122158-A-G. GRCh37 (hg19) VCF-style: chr8-42977301-A-G.
Other names: c.334A>G, p.Ser112Gly (NM_001277971.2); c.334A>G (NM_032237.3); short protein forms S112G.
Identifiers: ClinVar variation 971481 (VCV000971481.6), dbSNP rs765276659, ClinGen allele CA4736270.
Genomic context (GRCh38, chr8:43,122,158, plus strand): 5'-TTGTTGCAGGTCTTTCTGTCTGAGTGGAAGGAGCACAAAGTTGCACTCTCACAGCTCACC[A>G]GCCTGGAGATGAAAGATGATTTCCTCCATGGACTGCAGATGCTGAAATCTCTCCAAGGCA-3'
Protein context (NP_115613.1, residues 102-122): EHKVALSQLT[Ser112Gly]LEMKDDFLHG

ClinVar aggregate classification (germline): Uncertain significance. Review status: criteria provided, multiple submitters, no conflicts (2 of 4 stars). 2 submissions from 2 submitters: Uncertain significance (2). Last evaluated 2023-04-10.

Conditions:
Inborn genetic diseases. Identifiers: MedGen C0950123, MeSH D030342.
Limb-girdle muscular dystrophy due to POMK deficiency. Also called: Muscular dystrophy-dystroglycanopathy (limb-girdle), type c, 12; MUSCULAR DYSTROPHY-DYSTROGLYCANOPATHY, LIMB-GIRDLE, POMK-RELATED. Identifiers: Orphanet 445110, MedGen C4015184, MONDO:0014489, OMIM 616094.
Muscular dystrophy-dystroglycanopathy (congenital with brain and eye anomalies), type a, 12 (MDDGA12). Also called: WALKER-WARBURG SYNDROME OR MUSCLE-EYE-BRAIN DISEASE, POMK-RELATED. Identifiers: Orphanet 899, MedGen C3808964, MONDO:0014101, OMIM 615249.

Allele frequency attached by ClinVar (database versions not stated): gnomAD exomes below 0.00001 and 0.00001; gnomAD 0.00001; ExAC 0.00002.
gnomAD v4.1: 5 of 1,614,110 alleles (0.00031%); highest among the groups gnomAD compares: African/African-American, 0.0013%; no homozygotes.

Submissions (2):

Ambry Genetics
Classification: Uncertain significance for Inborn genetic diseases. Last evaluated: 2023-04-10. Review status: criteria provided, single submitter. Criteria: Ambry Variant Classification Scheme 2023. Collection method: clinical testing. Allele origin: germline.

Labcorp Genetics (formerly Invitae), Labcorp
Classification: Uncertain significance for Muscular dystrophy-dystroglycanopathy (congenital with brain and eye anomalies), type a, 12; Limb-girdle muscular dystrophy due to POMK deficiency. Last evaluated: 2022-02-04. Review status: criteria provided, single submitter. Criteria: Invitae Variant Classification Sherloc (09022015). Collection method: clinical testing. Allele origin: germline.
Comment: In summary, the available evidence is currently insufficient to determine the role of this variant in disease. Therefore, it has been classified as a Variant of Uncertain Significance. Algorithms developed to predict the effect of missense changes on protein structure and function output the following: SIFT: "Tolerated"; PolyPhen-2: "Benign"; Align-GVGD: "Class C0". The glycine amino acid residue is found in multiple mammalian species, which suggests that this missense change does not adversely affect protein function. ClinVar contains an entry for this variant (Variation ID: 971481). This variant has not been reported in the literature in individuals affected with POMK-related conditions. This variant is present in population databases (rs765276659, gnomAD 0.006%). This sequence change replaces serine, which is neutral and polar, with glycine, which is neutral and non-polar, at codon 112 of the POMK protein (p.Ser112Gly).